The following is an entry in ClinVar:

ClinVar aggregate classification (germline): Uncertain significance. Review status: criteria provided, multiple submitters, no conflicts (2 of 4 stars). 3 submissions from 3 submitters: Uncertain significance (3). Last evaluated 2024-07-01.

Conditions:
Primary ciliary dyskinesia. Also called: Ciliary dyskinesia. Identifiers: Orphanet 244, MedGen C0008780, MONDO:0016575, HP:0012265.
Joubert syndrome. Also called: JOUBERT-BOLTSHAUSER SYNDROME; Familial aplasia of the vermis. Identifiers: Orphanet 475, MedGen C5979921, MONDO:0018772.
Orofaciodigital syndrome I (OFD1). Also called: OFDS I; Papillon-Leage and Psaume Syndrome; Oral-Facial-Digital Syndrome Type I. Identifiers: Orphanet 2750, MedGen C1510460, MONDO:0010702, OMIM 311200.

Submissions (3):

Labcorp Genetics (formerly Invitae), Labcorp
Classification: Uncertain significance for Orofaciodigital syndrome I; Joubert syndrome. Last evaluated: 2024-07-01. Review status: criteria provided, single submitter. Criteria: Invitae Variant Classification Sherloc (09022015). Collection method: clinical testing. Allele origin: germline.
Comment: This sequence change replaces alanine, which is neutral and non-polar, with glycine, which is neutral and non-polar, at codon 506 of the OFD1 protein (p.Ala506Gly). This variant is not present in population databases (gnomAD no frequency). This variant has not been reported in the literature in individuals affected with OFD1-related conditions. ClinVar contains an entry for this variant (Variation ID: 1774334). Advanced modeling of protein sequence and biophysical properties (such as structural, functional, and spatial information, amino acid conservation, physicochemical variation, residue mobility, and thermodynamic stability) performed at Invitae indicates that this missense variant is not expected to disrupt OFD1 protein function with a negative predictive value of 80%. In summary, the available evidence is currently insufficient to determine the role of this variant in disease. Therefore, it has been classified as a Variant of Uncertain Significance.

Mayo Clinic Laboratories, Mayo Clinic
Classification: Uncertain significance. Last evaluated: 2022-02-04. Review status: criteria provided, single submitter. Criteria: ACMG Guidelines, 2015. Collection method: clinical testing. Allele origin: germline. Observed: 1 variant allele.
Comment: PM2

Ambry Genetics
Classification: Uncertain significance for Primary ciliary dyskinesia. Last evaluated: 2018-01-22. Review status: criteria provided, single submitter. Criteria: Ambry Variant Classification Scheme 2023. Collection method: clinical testing. Allele origin: germline.
Comment: The p.A506G variant (also known as c.1517C>G), located in coding exon 14 of the OFD1 gene, results from a C to G substitution at nucleotide position 1517. The alanine at codon 506 is replaced by glycine, an amino acid with similar properties. This amino acid position is not well conserved in available vertebrate species. In addition, this alteration is predicted to be tolerated by in silico analysis. Since supporting evidence is limited at this time, the clinical significance of this alteration remains unclear.

NM_003611.3(OFD1):c.1517C>G (p.Ala506Gly)

Gene: OFD1 (OFD1 centriole and centriolar satellite protein; plus strand). Cytogenetic location: Xp22.2.
Variant type: single nucleotide variant.
Coding change: c.1517C>G on transcript NM_003611.3 (MANE Select); coding-DNA position 1517, C replaced by G.
Protein change: p.Ala506Gly; replaces alanine 506 with glycine.
Molecular consequence: missense variant.
Genome position (GRCh38, 1-based): chrX:13,757,765, C>G. VCF-style: chrX-13757765-C-G. GRCh37 (hg19) VCF-style: chrX-13775884-C-G.
Other names: p.Ala506Gly; c.1397C>G, p.Ala466Gly (NM_001330209.2); c.1097C>G, p.Ala366Gly (NM_001330210.2); short protein forms A506G, A366G, A466G.
Identifiers: ClinVar variation 1774334 (VCV001774334.6), dbSNP rs2518918934, ClinGen allele CA412343200.